The following is an entry in ClinVar:

NC_000015.9:g.(?_44898203)_(44941229_?)del

Gene: SPG11 (SPG11 vesicle trafficking associated, spatacsin; minus strand). Cytogenetic location: 15q21.1.
Variant type: Deletion.
Identifiers: ClinVar variation 3243794 (VCV003243794.1).

ClinVar aggregate classification (germline): Pathogenic (1 of 4 stars; one submission).

Conditions:
Hereditary spastic paraplegia 11. Also called: Spastic paraplegia, mental retardation and thin corpus callosum; SPASTIC PARAPLEGIA, AUTOSOMAL RECESSIVE, COMPLICATED, WITH THIN CORPUS CALLOSUM; SPASTIC PARAPLEGIA, AUTOSOMAL RECESSIVE, WITH MENTAL IMPAIRMENT AND THIN CORPUS CALLOSUM; Spastic Paraplegia 11; Nakamura Osame syndrome; Autosomal recessive hereditary spastic paraplegia, mental impairment, and thin corpus callosum. Identifiers: Orphanet 2822, MedGen C1858479, MONDO:0011445, OMIM 604360.

Submission:

Labcorp Genetics (formerly Invitae), Labcorp
Classification: Pathogenic for Hereditary spastic paraplegia 11. Last evaluated: 2023-02-03. Review status: criteria provided, single submitter. Criteria: Invitae Variant Classification Sherloc (09022015). Collection method: clinical testing. Allele origin: unknown.
Comment: This variant is a gross deletion of the genomic region encompassing exon(s) 7-20 of the SPG11 gene. This variant would be expected to be in-frame, preserving the integrity of the reading frame. This variant has not been reported in the literature in individuals affected with SPG11-related conditions. This variant disrupts a region of the SPG11 protein in which other variant(s) (p.Cys760Arg) have been determined to be pathogenic (PMID: 26374131, 33059505). This suggests that this is a clinically significant region of the protein, and that variants that disrupt it are likely to be disease-causing. For these reasons, this variant has been classified as Pathogenic.

Literature cited by the submitters: PubMed 26374131; PubMed 33059505.